The following is an entry in ClinVar:

NM_000046.5(ARSB):c.361T>C (p.Cys121Arg)

Gene: ARSB (arylsulfatase B; minus strand). Cytogenetic location: 5q14.1.
Variant type: single nucleotide variant.
Coding change: c.361T>C on transcript NM_000046.5 (MANE Select); coding-DNA position 361, T replaced by C.
Protein change: p.Cys121Arg; replaces cysteine 121 with arginine.
Molecular consequence: missense variant.
Genome position (GRCh38, 1-based): chr5:78,969,144, A>G on the plus strand (T>C on the coding strand, the complement: ARSB is on the minus strand). VCF-style: chr5-78969144-A-G. GRCh37 (hg19) VCF-style: chr5-78264967-A-G.
Other names: c.361T>C, p.Cys121Arg (NM_198709.3); short protein forms C121R.
Identifiers: ClinVar variation 559774 (VCV000559774.1), dbSNP rs1554088083, ClinGen allele CA360194367.

ClinVar aggregate classification (germline): Uncertain significance (1 of 4 stars; one submission).

Conditions:
Mucopolysaccharidosis type 6 (MPS6). Also called: N-ACETYLGALACTOSAMINE-4-SULFATASE DEFICIENCY; MPS VI; MPS 6; Maroteaux Lamy syndrome; ARSB DEFICIENCY; ARYLSULFATASE B DEFICIENCY. Identifiers: Orphanet 583, MedGen C0026709, MONDO:0009661, OMIM 253200.

Submission:

Laboratory of Diagnosis and Therapy of Lysosomal Disorders, University of Padova
Classification: Uncertain significance for Mucopolysaccharidosis type 6. Last evaluated: 2018-01-01. Review status: criteria provided, single submitter. Criteria: ACMG Guidelines, 2015. Collection method: curation. Allele origin: germline. Affected: yes.
Comment: Absent from GnomAD (PM2); Multiple lines of computational evidence support a deleterious effect on the gene product (PP3)

Literature cited by the submitters: PubMed 26909334; PubMed 30118150.